The following is an entry in ClinVar:

NM_014874.4(MFN2):c.179C>T (p.Thr60Met)

Gene: MFN2 (mitofusin 2; plus strand). Cytogenetic location: 1p36.22.
Variant type: single nucleotide variant.
Coding change: c.179C>T on transcript NM_014874.4 (MANE Select); coding-DNA position 179, C replaced by T.
Protein change: p.Thr60Met; replaces threonine 60 with methionine.
Molecular consequence: missense variant.
Genome position (GRCh38, 1-based): chr1:11,992,558, C>T. VCF-style: chr1-11992558-C-T. GRCh37 (hg19) VCF-style: chr1-12052615-C-T.
Other names: c.179C>T, p.Thr60Met (NM_001127660.2); short protein forms T60M.
Identifiers: ClinVar variation 246508 (VCV000246508.18), dbSNP rs138345244, ClinGen allele CA598770.

ClinVar aggregate classification (germline): Conflicting classifications of pathogenicity. Review status: criteria provided, conflicting classifications (1 of 4 stars). 7 submissions from 6 submitters: Uncertain significance (4); Benign (1); Likely benign (1). 1 of the submissions does not count toward it. Last evaluated 2026-08-14.

Conditions:
MFN2-related disorder. Also called: MFN2-related disorders; MFN2-related condition.
Inborn genetic diseases. Identifiers: MedGen C0950123, MeSH D030342.
Optic atrophy. Identifiers: MedGen C0029124, MONDO:0003608, HP:0000648.
Charcot-Marie-Tooth disease type 2. Also called: Charcot-Marie-Tooth type 2. Identifiers: Orphanet 64746, MedGen C0270914, MONDO:0018993.
Hereditary motor and sensory neuropathy with optic atrophy. Also called: CHARCOT-MARIE-TOOTH DISEASE, TYPE 6; PERIPHERAL NEUROPATHY AND OPTIC ATROPHY. Identifiers: Orphanet 90120, MedGen C0393807, MONDO:0019551.

Allele frequency attached by ClinVar (database versions not stated): TOPMed 0.00004; gnomAD 0.00005 and 0.00006; gnomAD exomes 0.00005 and 0.00006; ExAC 0.00006; ESP Exome Variant Server 0.00015; 1000 Genomes Project 30x 0.00031; 1000 Genomes Project 0.00040.
gnomAD v4.1: 97 of 1,614,150 alleles (0.006%); highest among the groups gnomAD compares: Non-Finnish European, 0.007%; no homozygotes.

Submissions (7):

PreventionGenetics, part of Exact Sciences
Classification: Uncertain significance for MFN2-related condition. Last evaluated: 2026-08-14. Review status: criteria provided, single submitter. Criteria: ACMG Guidelines, 2015. Collection method: clinical testing. Allele origin: germline.
Comment: The MFN2 c.179C>T variant is predicted to result in the amino acid substitution p.Thr60Met. To our knowledge, this variant has not been reported in the literature. This variant is reported in 0.010% of alleles in individuals of East Asian descent in gnomAD. At this time, the clinical significance of this variant is uncertain due to the absence of conclusive functional and genetic evidence.

Labcorp Genetics (formerly Invitae), Labcorp
Classification: Uncertain significance for Charcot-Marie-Tooth disease type 2. Last evaluated: 2025-12-17. Review status: criteria provided, single submitter. Criteria: Invitae Variant Classification Sherloc (09022015). Collection method: clinical testing. Allele origin: germline.
Comment: This sequence change replaces threonine, which is neutral and polar, with methionine, which is neutral and non-polar, at codon 60 of the MFN2 protein (p.Thr60Met). This variant is present in population databases (rs138345244, gnomAD 0.01%). This missense change has been observed in individual(s) with clinical features of autosomal dominant MFN2-related conditions (internal data). ClinVar contains an entry for this variant (Variation ID: 246508). Invitae Evidence Modeling of protein sequence and biophysical properties (such as structural, functional, and spatial information, amino acid conservation, physicochemical variation, residue mobility, and thermodynamic stability) has been performed for this missense variant. However, the output from this modeling did not meet the statistical confidence thresholds required to predict the impact of this variant on MFN2 protein function. In summary, the available evidence is currently insufficient to determine the role of this variant in disease. Therefore, it has been classified as a Variant of Uncertain Significance.

Ambry Genetics
Classification: Uncertain significance for Inborn genetic diseases. Last evaluated: 2025-08-05. Review status: criteria provided, single submitter. Criteria: Ambry Variant Classification Scheme 2023. Collection method: clinical testing. Allele origin: germline.

Illumina Laboratory Services, Illumina
Classification: Likely benign for Charcot-Marie-Tooth disease, type 2. Last evaluated: 2018-01-13. Review status: criteria provided, single submitter. Criteria: ICSL Variant Classification Criteria 13 December 2019. Collection method: clinical testing. Allele origin: germline.
Comment: This variant was observed in the ICSL laboratory as part of a predisposition screen in an ostensibly healthy population. It had not been previously curated by ICSL or reported in the Human Gene Mutation Database (HGMD: prior to June 1st, 2018), and was therefore a candidate for classification through an automated scoring system. Utilizing variant allele frequency, disease prevalence and penetrance estimates, and inheritance mode, an automated score was calculated to assess if this variant is too frequent to cause the disease. Based on the score and internal cut-off values, a variant classified as likely benign is not then subjected to further curation. The score for this variant resulted in a classification of likely benign for this disease.

Illumina Laboratory Services, Illumina
Classification: Benign for Neuropathy, hereditary motor and sensory, type 6A. Last evaluated: 2018-01-13. Review status: criteria provided, single submitter. Criteria: ICSL Variant Classification Criteria 13 December 2019. Collection method: clinical testing. Allele origin: germline.
Comment: This variant was observed in the ICSL laboratory as part of a predisposition screen in an ostensibly healthy population. It had not been previously curated by ICSL or reported in the Human Gene Mutation Database (HGMD: prior to June 1st, 2018), and was therefore a candidate for classification through an automated scoring system. Utilizing variant allele frequency, disease prevalence and penetrance estimates, and inheritance mode, an automated score was calculated to assess if this variant is too frequent to cause the disease. Based on the score and internal cut-off values, a variant classified as benign is not then subjected to further curation. The score for this variant resulted in a classification of benign for this disease.

GeneDx
Classification: Uncertain significance. Last evaluated: 2016-03-28. Review status: criteria provided, single submitter. Criteria: GeneDx Variant Classification (06012015). Collection method: clinical testing. Allele origin: germline. Affected: yes.
Comment: The T60M variant has notbeen published as a pathogenic variant, nor has it been reported as a benign variant to our knowledge.The T60M variant was not observed with any significant frequency in approximately 6,500individuals of European and African American ancestry in the NHLBI Exome Sequencing Project butthe 1000 Genomes Project reports T60M was observed in 2/1008 (0.02%) alleles from individuals ofEast Asian background. This substitution occurs at a position that is conserved across species. TheT60M variant is a non-conservative amino acid substitution, which is likely to impact secondaryprotein structure as these residues differ in polarity, charge, size and/or other properties. However, insilico analysis is inconsistent in its predictions as to whether or not the variant is damaging to theprotein structure/function. Therefore, based on the currently available information, it is unclearwhether this variant is a pathogenic variant or a rare benign variant.

Institute of Human Genetics, Univ. Regensburg, Univ. Regensburg
Classification: Uncertain significance for Optic atrophy. Last evaluated: 2023-01-01. Review status: no assertion criteria provided. Criteria: ACMG Guidelines, 2015. Collection method: clinical testing. Allele origin: germline. Affected: yes. Not counted in ClinVar's aggregate classification.